The following is an entry in ClinVar:

ClinVar aggregate classification (germline): Likely benign (1 of 4 stars; one submission).

Conditions:
SEMA7A-related disorder. Also called: SEMA7A-related condition.

Submission:

PreventionGenetics, part of Exact Sciences
Classification: Likely benign for SEMA7A-related condition. Last evaluated: 2025-12-08. Review status: criteria provided, single submitter. Criteria: ACMG Guidelines, 2015. Collection method: clinical testing. Allele origin: germline.
Comment: This variant is classified as likely benign based on ACMG/AMP sequence variant interpretation guidelines (Richards et al. 2015 PMID: 25741868, with internal and published modifications).

NM_003612.5(SEMA7A):c.89GGCTGC[3] (p.Leu33_Leu34insArgLeu)

Genes: SEMA7A (semaphorin 7A (JohnMiltonHagen blood group); minus strand), LOC130057537 (ATAC-STARR-seq lymphoblastoid silent region 6651; plus strand). Cytogenetic location: 15q24.1.
Variant type: Microsatellite.
Coding change: c.89GGCTGC[3] on transcript NM_003612.5 (MANE Select); three copies in a row of the 6-base unit GGCTGC starting at c.89; the reference has two copies in a row; one copy, 6 bases duplicated.
Protein change: p.Leu33_Leu34insArgLeu.
Molecular consequence: inframe insertion.
Genome position (GRCh38, 1-based): chr15:74,433,819-74,433,824, GCAGCC duplicated on the plus strand (GGCTGC on the coding strand, the reverse complement: SEMA7A is on the minus strand); duplicating any 6 consecutive bases within chr15:74,433,819-74,433,835 gives the same sequence; the position shown is the placement nearest the transcript's 3' end. VCF-style (leftmost placement, unchanged base first): chr15-74433818-A-AGCAGCC. GRCh37 (hg19) VCF-style: chr15-74726159-A-AGCAGCC.
Other names: c.89GGCTGC[3], p.Leu33_Leu34insArgLeu (NM_001146029.3).
Identifiers: ClinVar variation 4985996 (VCV004985996.1).
Genomic context (GRCh38, chr15:74,433,818, plus strand): 5'-ATGCGGGGTCCGCTCCTTAGGTGGCCCTGGGCGGAGGCGGCGGCCGCCCAGAGCAGCAGC[A>AGCAGCC]GCAGCCGCAGCCGCAGCGGAAGCCCCAACCGAGCCGGCGGGCCAGGGACGCGGGCGCGCG-3'